The following is an entry in ClinVar:

NM_173812.5(DPY19L2):c.2214C>T (p.Asp738=)

Gene: DPY19L2 (dpy-19 like 2; minus strand). Cytogenetic location: 12q14.2.
Variant type: single nucleotide variant.
Coding change: c.2214C>T on transcript NM_173812.5 (MANE Select); coding-DNA position 2214, C replaced by T.
Protein change: p.Asp738=; no amino-acid change (aspartic acid 738 retained).
Molecular consequence: synonymous variant.
Genome position (GRCh38, 1-based): chr12:63,560,575, G>A on the plus strand (C>T on the coding strand, the complement: DPY19L2 is on the minus strand). VCF-style: chr12-63560575-G-A. GRCh37 (hg19) VCF-style: chr12-63954355-G-A.
Identifiers: ClinVar variation 3250652 (VCV003250652.18), dbSNP rs1064021.

ClinVar aggregate classification (germline): Likely benign (1 of 4 stars; one submission).

Allele frequency attached by ClinVar (database versions not stated): gnomAD exomes 0.00008; ExAC 0.00025; 1000 Genomes Project 30x 0.00031; 1000 Genomes Project 0.00040; gnomAD 0.00068; TOPMed 0.00078; ESP Exome Variant Server 0.00092.
gnomAD v4.1: 235 of 1,613,986 alleles (0.015%); highest among the groups gnomAD compares: African/African-American, 0.24%; no homozygotes.

Submission:

CeGaT Center for Human Genetics Tuebingen
Classification: Likely benign. Last evaluated: 2024-06-01. Review status: criteria provided, single submitter. Criteria: CeGaT Center For Human Genetics Tuebingen Variant Classification Criteria Version 2. Collection method: clinical testing. Allele origin: germline. Affected: yes. Observed: 1 variant allele.
Comment: DPY19L2: BP4, BP7